The following is an entry in ClinVar:

ClinVar aggregate classification (germline): Uncertain significance. Review status: criteria provided, multiple submitters, no conflicts (2 of 4 stars). 2 submissions from 2 submitters: Uncertain significance (2). Last evaluated 2022-04-12.

Conditions:
Inborn genetic diseases. Identifiers: MedGen C0950123, MeSH D030342.

Allele frequency attached by ClinVar (database versions not stated): gnomAD 0.00001; ExAC 0.00002; gnomAD exomes 0.00002 and 0.00003; 1000 Genomes Project 30x 0.00016; 1000 Genomes Project 0.00020.
gnomAD v4.1: 13 of 1,613,862 alleles (0.00081%); highest among the groups gnomAD compares: African/African-American, 0.004%; no homozygotes.

Submissions (2):

Ambry Genetics
Classification: Uncertain significance for Inborn genetic diseases. Last evaluated: 2022-04-12. Review status: criteria provided, single submitter. Criteria: Ambry Variant Classification Scheme 2023. Collection method: clinical testing. Allele origin: germline.

Labcorp Genetics (formerly Invitae), Labcorp
Classification: Uncertain significance. Last evaluated: 2022-01-14. Review status: criteria provided, single submitter. Criteria: Invitae Variant Classification Sherloc (09022015). Collection method: clinical testing. Allele origin: germline.
Comment: This sequence change replaces asparagine, which is neutral and polar, with serine, which is neutral and polar, at codon 366 of the SEPT9 protein (p.Asn366Ser). This variant is present in population databases (rs557624656, gnomAD 0.01%). This variant has not been reported in the literature in individuals affected with SEPT9-related conditions. Algorithms developed to predict the effect of missense changes on protein structure and function are either unavailable or do not agree on the potential impact of this missense change (SIFT: "Deleterious"; PolyPhen-2: "Possibly Damaging"; Align-GVGD: "Class C0"). In summary, the available evidence is currently insufficient to determine the role of this variant in disease. Therefore, it has been classified as a Variant of Uncertain Significance.

NM_001113491.2(SEPTIN9):c.1151A>G (p.Asn384Ser)

Gene: SEPTIN9 (septin 9; plus strand). Cytogenetic location: 17q25.3.
Variant type: single nucleotide variant.
Coding change: c.1151A>G on transcript NM_001113491.2 (MANE Select); coding-DNA position 1151, A replaced by G.
Protein change: p.Asn384Ser; replaces asparagine 384 with serine.
Molecular consequence: missense variant.
Genome position (GRCh38, 1-based): chr17:77,488,753, A>G. VCF-style: chr17-77488753-A-G. GRCh37 (hg19) VCF-style: chr17-75484835-A-G.
Other names: c.398A>G, p.Asn133Ser (NM_001293698.2, NM_001113495.2, NM_001113496.2 and 1 more transcripts); c.1097A>G, p.Asn366Ser (NM_006640.5); c.1097A>G (NM_006640.4); c.659A>G, p.Asn220Ser (NM_001113492.2, NM_001113494.1); c.1130A>G, p.Asn377Ser (NM_001113493.2); c.1094A>G, p.Asn365Ser (NM_001293695.2); c.479A>G, p.Asn160Ser (NM_001293696.2); short protein forms N133S, N160S, N220S, N365S, N366S, N377S, N384S.
Identifiers: ClinVar variation 1682644 (VCV001682644.8), dbSNP rs557624656, ClinGen allele CA8793703.